The following is an entry in ClinVar:

NM_001329943.3(KIAA0586):c.2050C>T (p.Arg684Ter)

Gene: KIAA0586 (KIAA0586; plus strand). Cytogenetic location: 14q23.1.
Variant type: single nucleotide variant.
Coding change: c.2050C>T on transcript NM_001329943.3 (MANE Select); coding-DNA position 2050, C replaced by T.
Protein change: p.Arg684Ter; replaces arginine 684 with a stop codon.
Molecular consequence: nonsense.
Genome position (GRCh38, 1-based): chr14:58,461,151, C>T. VCF-style: chr14-58461151-C-T. GRCh37 (hg19) VCF-style: chr14-58927869-C-T.
Other names: c.2209C>T, p.Arg737Ter (NM_001244189.2); c.2005C>T, p.Arg669Ter (NM_001244190.2); c.1795C>T, p.Arg599Ter (NM_001244191.2, NM_001329945.2, NM_001364700.1 and 1 more transcripts); c.1918C>T, p.Arg640Ter (NM_001244192.2); c.1630C>T, p.Arg544Ter (NM_001244193.2); c.2050C>T, p.Arg684Ter (NM_001329944.2, NM_001329946.2, NM_001329947.2); c.1822C>T, p.Arg608Ter (NM_014749.5); c.2209C>T (NM_001244189.1); short protein forms R544*, R599*, R737*, R608*, R669*, R684*, R640*.
Identifiers: ClinVar variation 1406363 (VCV001406363.9), dbSNP rs749475936, ClinGen allele CA7205760.

ClinVar aggregate classification (germline): Pathogenic/Likely pathogenic. Review status: criteria provided, multiple submitters, no conflicts (2 of 4 stars). 4 submissions from 4 submitters: Pathogenic (2); Likely pathogenic (2). Last evaluated 2025-08-12.

Conditions:
KIAA0586-related disorder. Also called: KIAA0586-related condition; KIAA0586- Related disorders.
Joubert syndrome and related disorders. Identifiers: Orphanet 140874, MedGen C5679612, MONDO:0015369.
Short-rib thoracic dysplasia 14 with polydactyly (SRTD14). Identifiers: Orphanet 397715, MedGen C4225286, MONDO:0014688, OMIM 616546.
Joubert syndrome 23 (JBTS23). Identifiers: Orphanet 475, MedGen C4084822, MONDO:0014664, OMIM 616490.

Allele frequency attached by ClinVar (database versions not stated): gnomAD 0.00001; gnomAD exomes 0.00001 and 0.00002; TOPMed 0.00003; ExAC 0.00004.
gnomAD v4.1: 21 of 1,576,422 alleles (0.0013%); highest among the groups gnomAD compares: East Asian, 0.0046%; no homozygotes.

Submissions (4):

Labcorp Genetics (formerly Invitae), Labcorp
Classification: Pathogenic for Joubert syndrome 23; Short-rib thoracic dysplasia 14 with polydactyly. Last evaluated: 2025-08-12. Review status: criteria provided, single submitter. Criteria: Invitae Variant Classification Sherloc (09022015). Collection method: clinical testing. Allele origin: germline.
Comment: This sequence change creates a premature translational stop signal (p.Arg737*) in the KIAA0586 gene. It is expected to result in an absent or disrupted protein product. Loss-of-function variants in KIAA0586 are known to be pathogenic (PMID: 26096313, 26166481, 26386044). The frequency data for this variant in the population databases is considered unreliable, as metrics indicate poor data quality at this position in the gnomAD database. This premature translational stop signal has been observed in individual(s) with Joubert syndrome (PMID: 26026149). ClinVar contains an entry for this variant (Variation ID: 1406363). For these reasons, this variant has been classified as Pathogenic.

GeneDx
Classification: Likely pathogenic. Last evaluated: 2024-12-23. Review status: criteria provided, single submitter. Criteria: GeneDx Variant Classification Process June 2021. Collection method: clinical testing. Allele origin: germline. Affected: yes.
Comment: Nonsense variant predicted to result in protein truncation or nonsense mediated decay in a gene for which loss of function is a known mechanism of disease; This variant is associated with the following publications: (PMID: 26386044, 26096313, 26166481, 26026149)

Women's Health and Genetics/Laboratory Corporation of America, LabCorp
Classification: Pathogenic for Joubert syndrome and related disorders. Last evaluated: 2023-12-07. Review status: criteria provided, single submitter. Criteria: LabCorp Variant Classification Summary - May 2015. Collection method: clinical testing. Allele origin: germline.
Comment: Variant summary: KIAA0586 c.2209C>T (p.Arg737X) results in a premature termination codon, predicted to cause a truncation of the encoded protein or absence of the protein due to nonsense mediated decay, which are commonly known mechanisms for disease. The variant allele was found at a frequency of 1.9e-05 in 212132 control chromosomes. c.2209C>T has been reported in the literature in the compound heterozygous state in at least one individual affected with Joubert Syndrome And Related Disorders (e.g. Roosing_2015). To our knowledge, no experimental evidence demonstrating an impact on protein function has been reported. The following publication has been ascertained in the context of this evaluation (PMID: 26026149). One submitter has cited clinical-significance assessments for this variant to ClinVar after 2014 and has classified the variant as pathogenic. Based on the evidence outlined above, the variant was classified as pathogenic.

Blueprint Genetics
Classification: Likely pathogenic for KIAA0586-related disorders. Last evaluated: 2023-03-10. Review status: criteria provided, single submitter. Criteria: ACMG Guidelines, 2015. Collection method: clinical testing. Allele origin: germline. Affected: yes. Observed: 4 variant alleles.

Literature cited by the submitters: PubMed 26096313 (cited by Labcorp Genetics (formerly Invitae), Labcorp); PubMed 26166481 (cited by Labcorp Genetics (formerly Invitae), Labcorp); PubMed 26386044 (cited by Labcorp Genetics (formerly Invitae), Labcorp); PubMed 26026149 (cited by Labcorp Genetics (formerly Invitae), Labcorp and Women's Health and Genetics/Laboratory Corporation of America, LabCorp).